The following is an entry in ClinVar:

NM_003334.4(UBA1):c.2096G>A (p.Arg699Gln)

Gene: UBA1 (ubiquitin like modifier activating enzyme 1; plus strand). Cytogenetic location: Xp11.3.
Variant type: single nucleotide variant.
Coding change: c.2096G>A on transcript NM_003334.4 (MANE Select); coding-DNA position 2096, G replaced by A.
Protein change: p.Arg699Gln; replaces arginine 699 with glutamine.
Molecular consequence: missense variant.
Genome position (GRCh38, 1-based): chrX:47,210,020, G>A. VCF-style: chrX-47210020-G-A. GRCh37 (hg19) VCF-style: chrX-47069419-G-A.
Other names: c.2096G>A, p.Arg699Gln (NM_153280.3); c.2096G>A (NM_003334.3); short protein forms R699Q.
Identifiers: ClinVar variation 2198009 (VCV002198009.5), dbSNP rs1556792877, ClinGen allele CA412806814.

ClinVar aggregate classification (germline): Uncertain significance. Review status: criteria provided, multiple submitters, no conflicts (2 of 4 stars). 2 submissions from 2 submitters: Uncertain significance (2). Last evaluated 2026-03-23.

Conditions:
Inborn genetic diseases. Identifiers: MedGen C0950123, MeSH D030342.
Infantile-onset X-linked spinal muscular atrophy. Also called: Spinal muscular atrophy, X-linked 2; AMC, DISTAL, X-LINKED; ARTHROGRYPOSIS, X-LINKED, TYPE I; Spinal Muscular Atrophy, X-Linked Infantile; SPINAL MUSCULAR ATROPHY, X-LINKED LETHAL INFANTILE. Identifiers: Orphanet 1145, MedGen C1844934, MONDO:0010532, OMIM 301830.

Allele frequency attached by ClinVar (database versions not stated): gnomAD exomes below 0.00001; TOPMed 0.00001.

Submissions (2):

Ambry Genetics
Classification: Uncertain significance for Inborn genetic diseases. Last evaluated: 2026-03-23. Review status: criteria provided, single submitter. Criteria: Ambry Variant Classification Scheme 2023. Collection method: clinical testing. Allele origin: germline.

Labcorp Genetics (formerly Invitae), Labcorp
Classification: Uncertain significance for Infantile-onset X-linked spinal muscular atrophy. Last evaluated: 2024-05-14. Review status: criteria provided, single submitter. Criteria: Invitae Variant Classification Sherloc (09022015). Collection method: clinical testing. Allele origin: germline.
Comment: This sequence change replaces arginine, which is basic and polar, with glutamine, which is neutral and polar, at codon 699 of the UBA1 protein (p.Arg699Gln). This variant is present in population databases (no rsID available, gnomAD 0.008%), including at least one homozygous and/or hemizygous individual. This variant has not been reported in the literature in individuals affected with UBA1-related conditions. ClinVar contains an entry for this variant (Variation ID: 2198009). An algorithm developed to predict the effect of missense changes on protein structure and function (PolyPhen-2) suggests that this variant is likely to be disruptive. In summary, the available evidence is currently insufficient to determine the role of this variant in disease. Therefore, it has been classified as a Variant of Uncertain Significance.